The following is an entry in ClinVar:

NM_207034.3(EDN3):c.*177C>A

Gene: EDN3 (endothelin 3; plus strand). Cytogenetic location: 20q13.32.
Variant type: single nucleotide variant.
Coding change: c.*177C>A on transcript NM_207034.3 (MANE Select); 177 bases downstream of the stop codon, C replaced by A.
Molecular consequence: 3 prime UTR variant.
Genome position (GRCh38, 1-based): chr20:59,324,636, C>A. VCF-style: chr20-59324636-C-A. GRCh37 (hg19) VCF-style: chr20-57899691-C-A.
Other names: c.*301C>A (NM_001302455.2); c.*269C>A (NM_001302456.2, NM_207032.3); c.*177C>A (NM_207033.3).
Identifiers: ClinVar variation 339141 (VCV000339141.5), dbSNP rs11570354, ClinGen allele CA10650107.

ClinVar aggregate classification (germline): Likely benign (1 of 4 stars; one submission).

Conditions:
Hirschsprung disease, susceptibility to, 4. Identifiers: Orphanet 388, MedGen C3150975, MONDO:0013384, OMIM 613712.

Allele frequency attached by ClinVar (database versions not stated): gnomAD 0.00096; TOPMed 0.00119; 1000 Genomes Project 0.00180; 1000 Genomes Project 30x 0.00187.
gnomAD v4.1: 384 of 807,260 alleles (0.048%); highest among the groups gnomAD compares: East Asian, 1%; 3 homozygotes.

Submission:

Illumina Laboratory Services, Illumina
Classification: Likely benign for Hirschsprung disease, susceptibility to, 4. Last evaluated: 2018-01-12. Review status: criteria provided, single submitter. Criteria: ICSL Variant Classification Criteria 13 December 2019. Collection method: clinical testing. Allele origin: germline.
Comment: This variant was observed in the ICSL laboratory as part of a predisposition screen in an ostensibly healthy population. It had not been previously curated by ICSL or reported in the Human Gene Mutation Database (HGMD: prior to June 1st, 2018), and was therefore a candidate for classification through an automated scoring system. Utilizing variant allele frequency, disease prevalence and penetrance estimates, and inheritance mode, an automated score was calculated to assess if this variant is too frequent to cause the disease. Based on the score and internal cut-off values, a variant classified as likely benign is not then subjected to further curation. The score for this variant resulted in a classification of likely benign for this disease.